The following is an entry in ClinVar:

NM_002880.4(RAF1):c.276A>T (p.Gln92His)

Gene: RAF1 (Raf-1 proto-oncogene, serine/threonine kinase; minus strand). Cytogenetic location: 3p25.2.
Variant type: single nucleotide variant.
Coding change: c.276A>T on transcript NM_002880.4 (MANE Select); coding-DNA position 276, A replaced by T.
Protein change: p.Gln92His; replaces glutamine 92 with histidine.
Molecular consequence: missense variant. On other transcripts: non-coding transcript variant (3), intron variant (4).
Genome position (GRCh38, 1-based): chr3:12,611,994, T>A on the plus strand (A>T on the coding strand, the complement: RAF1 is on the minus strand). VCF-style: chr3-12611994-T-A. GRCh37 (hg19) VCF-style: chr3-12653493-T-A.
Other names: c.276A>T, p.Gln92His (NM_001354689.3, NM_001354690.3, NM_001354693.3); c.78-2659A>T (NM_001354695.3, NM_001354692.3, NM_001354694.3 and 1 more transcripts); short protein forms Q92H.
Identifiers: ClinVar variation 2173410 (VCV002173410.28), dbSNP rs876657568, ClinGen allele CA351520729.

ClinVar aggregate classification (germline): Uncertain significance. Review status: criteria provided, multiple submitters, no conflicts (2 of 4 stars). 2 submissions from 2 submitters: Uncertain significance (2). Last evaluated 2024-09-21.

Conditions:
RASopathy. Also called: Noonan spectrum disorder; rasopathies. Identifiers: Orphanet 536391, MedGen C5555857, MONDO:0021060.

Allele frequency attached by ClinVar (database versions not stated): TOPMed below 0.00001.
gnomAD v4.1: 1 of 1,614,160 alleles (0.000062%); highest among the groups gnomAD compares: Middle Eastern, 0.016%; no homozygotes.

Submissions (2):

Labcorp Genetics (formerly Invitae), Labcorp
Classification: Uncertain significance for RASopathy. Last evaluated: 2024-09-21. Review status: criteria provided, single submitter. Criteria: Invitae Variant Classification Sherloc (09022015). Collection method: clinical testing. Allele origin: germline.
Comment: This sequence change replaces glutamine, which is neutral and polar, with histidine, which is basic and polar, at codon 92 of the RAF1 protein (p.Gln92His). This variant is not present in population databases (gnomAD no frequency). This variant has not been reported in the literature in individuals affected with RAF1-related conditions. ClinVar contains an entry for this variant (Variation ID: 2173410). Invitae Evidence Modeling of protein sequence and biophysical properties (such as structural, functional, and spatial information, amino acid conservation, physicochemical variation, residue mobility, and thermodynamic stability) has been performed for this missense variant. However, the output from this modeling did not meet the statistical confidence thresholds required to predict the impact of this variant on RAF1 protein function. In summary, the available evidence is currently insufficient to determine the role of this variant in disease. Therefore, it has been classified as a Variant of Uncertain Significance.

CeGaT Center for Human Genetics Tuebingen
Classification: Uncertain significance. Last evaluated: 2023-08-01. Review status: criteria provided, single submitter. Criteria: CeGaT Center For Human Genetics Tuebingen Variant Classification Criteria Version 2. Collection method: clinical testing. Allele origin: germline. Affected: yes. Observed: 1 variant allele.
Comment: RAF1: PM2